The following is an entry in ClinVar:

ClinVar aggregate classification (germline): Uncertain significance. Review status: criteria provided, multiple submitters, no conflicts (2 of 4 stars). 2 submissions from 2 submitters: Uncertain significance (2). Last evaluated 2026-01-28.

Allele frequency attached by ClinVar (database versions not stated): gnomAD exomes 0.00001.
gnomAD v4.1: 14 of 1,579,558 alleles (0.00089%); highest among the groups gnomAD compares: Non-Finnish European, 0.001%; no homozygotes.

Submissions (2):

Labcorp Genetics (formerly Invitae), Labcorp
Classification: Uncertain significance. Last evaluated: 2026-01-28. Review status: criteria provided, single submitter. Criteria: Invitae Variant Classification Sherloc (09022015). Collection method: clinical testing. Allele origin: germline.
Comment: This sequence change creates a premature translational stop signal (p.Arg390*) in the GFAP gene. It is expected to result in an absent or disrupted protein product. However, the current clinical and genetic evidence is not sufficient to establish whether loss-of-function variants in GFAP cause disease. This variant is not present in population databases (gnomAD no frequency). This variant has not been reported in the literature in individuals affected with GFAP-related conditions. ClinVar contains an entry for this variant (Variation ID: 1303976). In summary, the available evidence is currently insufficient to determine the role of this variant in disease. Therefore, it has been classified as a Variant of Uncertain Significance.

GeneDx
Classification: Uncertain significance. Last evaluated: 2020-08-20. Review status: criteria provided, single submitter. Criteria: GeneDx Variant Classification Process June 2021. Collection method: clinical testing. Allele origin: germline. Affected: yes.
Comment: Not observed in large population cohorts (Lek et al., 2016); Nonsense variant predicted to result in protein truncation as the last 43 amino acids are lost, although loss-of-function is not a known mechanism of disease; Has not been previously published as pathogenic or benign to our knowledge

NM_002055.5(GFAP):c.1168C>T (p.Arg390Ter)

Gene: GFAP (glial fibrillary acidic protein; minus strand). Cytogenetic location: 17q21.31.
Variant type: single nucleotide variant.
Coding change: c.1168C>T on transcript NM_002055.5 (MANE Select); coding-DNA position 1168, C replaced by T.
Protein change: p.Arg390Ter; replaces arginine 390 with a stop codon.
Molecular consequence: nonsense.
Genome position (GRCh38, 1-based): chr17:44,910,618, G>A on the plus strand (C>T on the coding strand, the complement: GFAP is on the minus strand). VCF-style: chr17-44910618-G-A. GRCh37 (hg19) VCF-style: chr17-42987986-G-A.
Other names: c.1168C>T, p.Arg390Ter (NM_001131019.3, NM_001242376.3, NM_001363846.2); short protein forms R390*.
Identifiers: ClinVar variation 1303976 (VCV001303976.6), dbSNP rs2051739578, ClinGen allele CA399842079.